The following is an entry in ClinVar:

NM_000264.5(PTCH1):c.4085C>G (p.Pro1362Arg)

Gene: PTCH1 (patched 1; minus strand). Cytogenetic location: 9q22.32.
Variant type: single nucleotide variant.
Coding change: c.4085C>G on transcript NM_000264.5 (MANE Select); coding-DNA position 4085, C replaced by G.
Protein change: p.Pro1362Arg; replaces proline 1362 with arginine.
Molecular consequence: missense variant. On other transcripts: non-coding transcript variant (1).
Genome position (GRCh38, 1-based): chr9:95,447,171, G>C on the plus strand (C>G on the coding strand, the complement: PTCH1 is on the minus strand). VCF-style: chr9-95447171-G-C. GRCh37 (hg19) VCF-style: chr9-98209453-G-C.
Other names: c.3887C>G, p.Pro1296Arg (NM_001083602.3); c.4082C>G, p.Pro1361Arg (NM_001083603.3); c.3632C>G, p.Pro1211Arg (NM_001083604.3, NM_001083605.3, NM_001083606.3 and 1 more transcripts); c.3929C>G, p.Pro1310Arg (NM_001354918.2); short protein forms P1211R, P1296R, P1361R, P1362R, P1310R.
Identifiers: ClinVar variation 2795505 (VCV002795505.3), dbSNP rs777731495, ClinGen allele CA374110347.

ClinVar aggregate classification (germline): Uncertain significance (1 of 4 stars; one submission).

Conditions:
Gorlin syndrome. Also called: Basal cell nevus syndrome; Nevoid Basal Cell Carcinoma Syndrome. Identifiers: Orphanet 377, MedGen C0004779, MONDO:0007187.

Submission:

Labcorp Genetics (formerly Invitae), Labcorp
Classification: Uncertain significance for Gorlin syndrome. Last evaluated: 2022-12-29. Review status: criteria provided, single submitter. Criteria: Invitae Variant Classification Sherloc (09022015). Collection method: clinical testing. Allele origin: germline.
Comment: This variant has not been reported in the literature in individuals affected with PTCH1-related conditions. This variant is not present in population databases (gnomAD no frequency). This sequence change replaces proline, which is neutral and non-polar, with arginine, which is basic and polar, at codon 1362 of the PTCH1 protein (p.Pro1362Arg). Advanced modeling of protein sequence and biophysical properties (such as structural, functional, and spatial information, amino acid conservation, physicochemical variation, residue mobility, and thermodynamic stability) performed at Invitae indicates that this missense variant is not expected to disrupt PTCH1 protein function. In summary, the available evidence is currently insufficient to determine the role of this variant in disease. Therefore, it has been classified as a Variant of Uncertain Significance.